The following is an entry in ClinVar:

NM_147127.5(EVC2):c.3454_3461dup (p.Gln1154fs)

Gene: EVC2 (EvC ciliary complex subunit 2; minus strand). Cytogenetic location: 4p16.2.
Variant type: Microsatellite.
Coding change: c.3454_3461dup on transcript NM_147127.5 (MANE Select); coding-DNA positions 3454 to 3461, 8 bases duplicated (CAGCCTCA; older notation c.3454_3461dupCAGCCTCA).
Protein change: p.Gln1154fs; shifts the reading frame from glutamine 1154.
Molecular consequence: frameshift variant.
Genome position (GRCh38, 1-based): chr4:5,568,540-5,568,547, TGAGGCTG duplicated on the plus strand (CAGCCTCA on the coding strand, the reverse complement: EVC2 is on the minus strand); duplicating any 8 consecutive bases within chr4:5,568,540-5,568,557 gives the same sequence; the c. name uses the placement nearest the transcript's 3' end. VCF-style (leftmost placement, unchanged base first): chr4-5568539-C-CTGAGGCTG. GRCh37 (hg19) VCF-style: chr4-5570266-C-CTGAGGCTG.
Other names: c.3214_3221dup, p.Gln1074fs (NM_001166136.2); c.3454_3461dupCAGCCTCA (NM_147127.5); short protein forms Q1154fs, Q1074fs.
Identifiers: ClinVar variation 854737 (VCV000854737.10), dbSNP rs1722451930, ClinGen allele CA916082632.

ClinVar aggregate classification (germline): Pathogenic. Review status: criteria provided, multiple submitters, no conflicts (2 of 4 stars). 3 submissions from 3 submitters: Pathogenic (3). Last evaluated 2024-09-22.

Conditions:
Ellis-van Creveld syndrome (EVC). Also called: EVC2-Related Ellis-van Creveld Syndrome; EVC-Related Ellis-van Creveld Syndrome; Chondroectodermal dysplasia; MESOECTODERMAL DYSPLASIA. Identifiers: Orphanet 289, MedGen C0013903, MONDO:0009162, OMIM 225500.
Curry-Hall syndrome (WAD). Also called: WEYERS ACRODENTAL DYSOSTOSIS. Identifiers: Orphanet 952, MedGen C0457013, MONDO:0008673, OMIM 193530.

Submissions (3):

Genomic Medicine Center of Excellence, King Faisal Specialist Hospital and Research Centre
Classification: Pathogenic for Ellis-van Creveld syndrome. Last evaluated: 2024-09-22. Review status: criteria provided, single submitter. Criteria: ACMG Guidelines, 2015. Collection method: clinical testing. Allele origin: germline.

Laboratory of Inherited Metabolic Diseases, Research centre for medical genetics
Classification: Pathogenic for Ellis-van Creveld syndrome. Last evaluated: 2022-04-01. Review status: criteria provided, single submitter. Criteria: ACMG Guidelines, 2015. Collection method: clinical testing. Allele origin: germline. Affected: yes. Observed: 1 variant allele.

Labcorp Genetics (formerly Invitae), Labcorp
Classification: Pathogenic for Curry-Hall syndrome; Ellis-van Creveld syndrome. Last evaluated: 2021-12-22. Review status: criteria provided, single submitter. Criteria: Invitae Variant Classification Sherloc (09022015). Collection method: clinical testing. Allele origin: germline.
Comment: This sequence change creates a premature translational stop signal (p.Gln1154Hisfs*45) in the EVC2 gene. It is expected to result in an absent or disrupted protein product. Loss-of-function variants in EVC2 are known to be pathogenic (PMID: 17024374, 19810119, 19876929). This variant is not present in population databases (gnomAD no frequency). This variant has not been reported in the literature in individuals affected with EVC2-related conditions. ClinVar contains an entry for this variant (Variation ID: 854737). For these reasons, this variant has been classified as Pathogenic.

Literature cited by the submitters: PubMed 17024374 (cited by Labcorp Genetics (formerly Invitae), Labcorp); PubMed 19810119 (cited by Labcorp Genetics (formerly Invitae), Labcorp); PubMed 19876929 (cited by Labcorp Genetics (formerly Invitae), Labcorp).